The following is an entry in ClinVar:

NM_002029.4(FPR1):c.677C>T (p.Thr226Ile)

Gene: FPR1 (formyl peptide receptor 1; minus strand). Cytogenetic location: 19q13.41.
Variant type: single nucleotide variant.
Coding change: c.677C>T on transcript NM_002029.4 (MANE Select); coding-DNA position 677, C replaced by T.
Protein change: p.Thr226Ile; replaces threonine 226 with isoleucine.
Molecular consequence: missense variant.
Genome position (GRCh38, 1-based): chr19:51,746,318, G>A on the plus strand (C>T on the coding strand, the complement: FPR1 is on the minus strand). VCF-style: chr19-51746318-G-A. GRCh37 (hg19) VCF-style: chr19-52249571-G-A.
Other names: c.677C>T, p.Thr226Ile (NM_001193306.2); short protein forms T226I.
Identifiers: ClinVar variation 3722288 (VCV003722288.2).

ClinVar aggregate classification (germline): Uncertain significance (1 of 4 stars; one submission).

Conditions:
Gingival disorder. Also called: Gingival disease. Identifiers: MedGen C0017563, MONDO:0002021.

gnomAD v4.1: 1 of 1,614,142 alleles (0.000062%); highest among the groups gnomAD compares: Non-Finnish European, 0.000085%; no homozygotes.

Submission:

Labcorp Genetics (formerly Invitae), Labcorp
Classification: Uncertain significance for Gingival disorder. Last evaluated: 2024-11-25. Review status: criteria provided, single submitter. Criteria: Invitae Variant Classification Sherloc (09022015). Collection method: clinical testing. Allele origin: germline.
Comment: This sequence change replaces threonine, which is neutral and polar, with isoleucine, which is neutral and non-polar, at codon 226 of the FPR1 protein (p.Thr226Ile). This variant is not present in population databases (gnomAD no frequency). This variant has not been reported in the literature in individuals affected with FPR1-related conditions. An algorithm developed to predict the effect of missense changes on protein structure and function (PolyPhen-2) suggests that this variant is likely to be tolerated. In summary, the available evidence is currently insufficient to determine the role of this variant in disease. Therefore, it has been classified as a Variant of Uncertain Significance.